The following is an entry in ClinVar:

NM_012210.4(TRIM32):c.1688G>T (p.Arg563Leu)

Genes: ASTN2 (astrotactin 2; minus strand), TRIM32 (tripartite motif containing 32; plus strand). Cytogenetic location: 9q33.1.
Variant type: single nucleotide variant.
Coding change: c.1688G>T on transcript NM_012210.4 (MANE Select); coding-DNA position 1688, G replaced by T.
Protein change: p.Arg563Leu; replaces arginine 563 with leucine.
Molecular consequence: missense variant. On other transcripts: intron variant (3).
Genome position (GRCh38, 1-based): chr9:116,699,430, G>T. VCF-style: chr9-116699430-G-T. GRCh37 (hg19) VCF-style: chr9-119461709-G-T.
Other names: c.1688G>T, p.Arg563Leu (NM_001099679.2, NM_001379048.1, NM_001379049.1 and 1 more transcripts); c.2653+26341C>A (NM_014010.5); c.2794+26341C>A (NM_001365069.1); c.2806+26341C>A (NM_001365068.1); short protein forms R563L.
Identifiers: ClinVar variation 2149189 (VCV002149189.2), dbSNP rs138056275, ClinGen allele CA5211194.
Genomic context (GRCh38, chr9:116,699,430, plus strand): 5'-AGCACCACCTGGAGGGTGGCTTTTCCATTGGCTCTGTAGGCCCTGATGGGCAGCTGGGTC[G>T]CCAGATTAGCCACTTCTTCTCGGAGAATGAGGATTTCCGCTGCATTGCTGGCATGTGTGT-3'
Protein context (NP_036342.2, residues 553-573): GSVGPDGQLG[Arg563Leu]QISHFFSENE

ClinVar aggregate classification (germline): Uncertain significance. Review status: criteria provided, multiple submitters, no conflicts (2 of 4 stars). 2 submissions from 2 submitters: Uncertain significance (2). Last evaluated 2024-06-20.

Conditions:
Bardet-Biedl syndrome (BBS). Identifiers: Orphanet 110, MedGen C0752166, MONDO:0015229.
Bardet-Biedl syndrome 11 (BBS11). Identifiers: Orphanet 110, MedGen C1859569, MONDO:0014439, OMIM 615988.
Sarcotubular myopathy (LGMDR8). Also called: MUSCULAR DYSTROPHY, LIMB-GIRDLE, AUTOSOMAL RECESSIVE 8; Autosomal recessive limb-girdle muscular dystrophy type 2H; Limb-girdle muscular dystrophy, type 2H; Hutterite type of muscular dystrophy. Identifiers: Orphanet 1878, MedGen C0270968, MONDO:0009683, OMIM 254110.

Allele frequency attached by ClinVar (database versions not stated): ESP Exome Variant Server 0.00008.
gnomAD v4.1: 2 of 1,614,146 alleles (0.00012%); no homozygotes.

Submissions (2):

Fulgent Genetics
Classification: Uncertain significance for Sarcotubular myopathy; Bardet-Biedl syndrome 11. Last evaluated: 2024-06-20. Review status: criteria provided, single submitter. Criteria: ACMG Guidelines, 2015. Collection method: clinical testing. Allele origin: germline.

Labcorp Genetics (formerly Invitae), Labcorp
Classification: Uncertain significance for Bardet-Biedl syndrome. Last evaluated: 2022-11-01. Review status: criteria provided, single submitter. Criteria: Invitae Variant Classification Sherloc (09022015). Collection method: clinical testing. Allele origin: germline.
Comment: This sequence change replaces arginine, which is basic and polar, with leucine, which is neutral and non-polar, at codon 563 of the TRIM32 protein (p.Arg563Leu). This variant is present in population databases (rs138056275, gnomAD 0.007%). This variant has not been reported in the literature in individuals affected with TRIM32-related conditions. Algorithms developed to predict the effect of missense changes on protein structure and function are either unavailable or do not agree on the potential impact of this missense change (SIFT: "Deleterious"; PolyPhen-2: "Benign"; Align-GVGD: "Class C35"). In summary, the available evidence is currently insufficient to determine the role of this variant in disease. Therefore, it has been classified as a Variant of Uncertain Significance.